The following is an entry in ClinVar:

ClinVar aggregate classification (germline): Likely benign. Review status: criteria provided, multiple submitters, no conflicts (2 of 4 stars). 3 submissions from 3 submitters: Likely benign (3). Last evaluated 2026-04-06.

Conditions:
CACNA1C-related disorder. Also called: CACNA1C-related disorders; CACNA1C-related condition. Identifiers: MedGen CN381092, MONDO:0700321.
Cardiovascular phenotype. Identifiers: MedGen CN230736.
Long QT syndrome (LQTS). Identifiers: MedGen C0023976, MeSH D008133, MONDO:0002442. Disease mechanism: loss of function. Inheritance: Various modes of inheritance.

Allele frequency attached by ClinVar (database versions not stated): gnomAD exomes 0.00004 and 0.00003; ExAC 0.00007; gnomAD 0.00001.
gnomAD v4.1: 40 of 1,613,512 alleles (0.0025%); highest among the groups gnomAD compares: African/African-American, 0.004%; no homozygotes.

Submissions (3):

PreventionGenetics, part of Exact Sciences
Classification: Likely benign for CACNA1C-related condition. Last evaluated: 2026-04-06. Review status: criteria provided, single submitter. Criteria: ACMG Guidelines, 2015. Collection method: clinical testing. Allele origin: germline.
Comment: This variant is classified as likely benign based on ACMG/AMP sequence variant interpretation guidelines (Richards et al. 2015 PMID: 25741868, with internal and published modifications).

Labcorp Genetics (formerly Invitae), Labcorp
Classification: Likely benign for Long QT syndrome. Last evaluated: 2026-01-19. Review status: criteria provided, single submitter. Criteria: Invitae Variant Classification Sherloc (09022015). Collection method: clinical testing. Allele origin: germline.

Ambry Genetics
Classification: Likely benign for Cardiovascular phenotype. Last evaluated: 2018-06-21. Review status: criteria provided, single submitter. Criteria: Ambry Variant Classification Scheme 2023. Collection method: clinical testing. Allele origin: germline.

NM_000719.7(CACNA1C):c.2700G>A (p.Thr900=)

Gene: CACNA1C (calcium voltage-gated channel subunit alpha1 C; plus strand). Cytogenetic location: 12p13.33.
Variant type: single nucleotide variant.
Coding change: c.2700G>A on transcript NM_000719.7 (MANE Select); coding-DNA position 2700, G replaced by A.
Protein change: p.Thr900=; no amino-acid change (threonine 900 retained).
Molecular consequence: synonymous variant.
Genome position (GRCh38, 1-based): chr12:2,595,910, G>A. VCF-style: chr12-2595910-G-A. GRCh37 (hg19) VCF-style: chr12-2705076-G-A.
Other names: c.2700G>A, p.Thr900= (NM_001129827.2, NM_001129829.2, NM_001129830.3 and 18 more transcripts); c.2691G>A, p.Thr897= (NM_001129844.2).
Identifiers: ClinVar variation 456957 (VCV000456957.15), dbSNP rs200717140, ClinGen allele CA6389041.